The following is an entry in ClinVar:

NM_001079872.2(CUL4B):c.918T>C (p.Ile306=)

Gene: CUL4B (cullin 4B; minus strand). Cytogenetic location: Xq24.
Variant type: single nucleotide variant.
Coding change: c.918T>C on transcript NM_001079872.2 (MANE Select); coding-DNA position 918, T replaced by C.
Protein change: p.Ile306=; no amino-acid change (isoleucine 306 retained).
Molecular consequence: synonymous variant.
Genome position (GRCh38, 1-based): chrX:120,545,446, A>G on the plus strand (T>C on the coding strand, the complement: CUL4B is on the minus strand). VCF-style: chrX-120545446-A-G. GRCh37 (hg19) VCF-style: chrX-119679301-A-G.
Other names: c.933T>C, p.Ile311= (NM_001330624.2); c.384T>C, p.Ile128= (NM_001369145.1); c.972T>C, p.Ile324= (NM_003588.4).
Identifiers: ClinVar variation 3901931 (VCV003901931.1).

ClinVar aggregate classification (germline): Uncertain significance (1 of 4 stars; one submission).

Conditions:
X-linked intellectual disability Cabezas type (MRXSC). Also called: Intellectual developmental disorder, X-linked syndromic, Cabezas type; CABEZAS SYNDROME; MENTAL RETARDATION, X-LINKED, SYNDROMIC 15. Identifiers: Orphanet 85289, Orphanet 85293, MedGen C1845861, MONDO:0010306, OMIM 300354.

Submission:

Laboratorio de Genetica e Diagnostico Molecular, Hospital Israelita Albert Einstein
Classification: Uncertain significance for X-linked intellectual disability Cabezas type. Last evaluated: 2023-11-22. Review status: criteria provided, single submitter. Criteria: ACMG Guidelines, 2015. Collection method: clinical testing. Allele origin: germline. Affected: yes.
Comment: ACMG classification criteria: PM2 moderate